The following is an entry in ClinVar:

NM_015001.3(SPEN):c.1244-3C>A

Gene: SPEN (spen family transcriptional repressor; plus strand). Cytogenetic location: 1p36.13.
Variant type: single nucleotide variant.
Coding change: c.1244-3C>A on transcript NM_015001.3 (MANE Select); 3 bases into the intron before coding-DNA position 1244, C replaced by A.
Molecular consequence: intron variant.
Genome position (GRCh38, 1-based): chr1:15,916,125, C>A. VCF-style: chr1-15916125-C-A. GRCh37 (hg19) VCF-style: chr1-16242620-C-A.
Other names: NC_000001.10:g.16242620C>A.
Identifiers: ClinVar variation 3058869 (VCV003058869.3), dbSNP rs12063905, ClinGen allele CA619036.
Genomic context (GRCh38, chr1:15,916,125, plus strand): 5'-GATATATAAATATGCATTAAAATACTGTCTTCTCTTTTTACTCGGCCCCCATTCCACTTA[C>A]AGAAACAGAAAGTGAAAATGAATTTCGCCCCTTGGATGAAAGGATAGATGAATTTCACCC-3'

ClinVar aggregate classification (germline): Benign (0 of 4 stars; one submission).

Conditions:
SPEN-related disorder. Also called: SPEN-related condition.

Allele frequency attached by ClinVar (database versions not stated): ESP Exome Variant Server 0.08089; gnomAD 0.10582; TOPMed 0.11004; gnomAD exomes 0.11197; 1000 Genomes Project 30x 0.12039; 1000 Genomes Project 0.12061; ExAC 0.13132.
gnomAD v4.1: 178,903 of 1,608,826 alleles (11%); highest among the groups gnomAD compares: Admixed American, 29%; 12,238 homozygotes.

Submissions 1 to 30 of 55:

PreventionGenetics, part of Exact Sciences
Classification: Benign for SPEN-related condition. Last evaluated: 2024-02-27. Review status: no assertion criteria provided. Collection method: clinical testing. Allele origin: germline.
Comment: This variant is classified as benign based on ACMG/AMP sequence variant interpretation guidelines (Richards et al. 2015 PMID: 25741868, with internal and published modifications).

Dr. Peter K. Rogan Lab, Western University
No classification provided (evidence only). Condition: Thymoma. Review status: no classification provided. Collection method: in vitro. Allele origin: not applicable. Functional consequence: retained intron. Not counted in ClinVar's aggregate classification.

Dr. Peter K. Rogan Lab, Western University
No classification provided (evidence only). Condition: Thymoma. Review status: no classification provided. Collection method: in vitro. Allele origin: not applicable. Functional consequence: retained intron. Not counted in ClinVar's aggregate classification.

Dr. Peter K. Rogan Lab, Western University
No classification provided (evidence only). Condition: Thymoma. Review status: no classification provided. Collection method: in vitro. Allele origin: not applicable. Functional consequence: retained intron. Not counted in ClinVar's aggregate classification.

Dr. Peter K. Rogan Lab, Western University
No classification provided (evidence only). Condition: Adrenocortical carcinoma, hereditary. Review status: no classification provided. Collection method: in vitro. Allele origin: not applicable. Functional consequence: retained intron. Not counted in ClinVar's aggregate classification.

Dr. Peter K. Rogan Lab, Western University
No classification provided (evidence only). Condition: Germ cell tumor of testis. Review status: no classification provided. Collection method: in vitro. Allele origin: not applicable. Functional consequence: retained intron. Not counted in ClinVar's aggregate classification.

Dr. Peter K. Rogan Lab, Western University
No classification provided (evidence only). Condition: Chronic lymphocytic leukemia/small lymphocytic lymphoma. Review status: no classification provided. Collection method: in vitro. Allele origin: not applicable. Functional consequence: skipped exon, retained intron. Not counted in ClinVar's aggregate classification.

Dr. Peter K. Rogan Lab, Western University
No classification provided (evidence only). Condition: Chronic lymphocytic leukemia/small lymphocytic lymphoma. Review status: no classification provided. Collection method: in vitro. Allele origin: not applicable. Functional consequence: retained intron. Not counted in ClinVar's aggregate classification.

Dr. Peter K. Rogan Lab, Western University
No classification provided (evidence only). Condition: Chronic lymphocytic leukemia/small lymphocytic lymphoma. Review status: no classification provided. Collection method: in vitro. Allele origin: not applicable. Functional consequence: retained intron. Not counted in ClinVar's aggregate classification.

Dr. Peter K. Rogan Lab, Western University
No classification provided (evidence only). Condition: Chronic lymphocytic leukemia/small lymphocytic lymphoma. Review status: no classification provided. Collection method: in vitro. Allele origin: not applicable. Functional consequence: retained intron. Not counted in ClinVar's aggregate classification.

Dr. Peter K. Rogan Lab, Western University
No classification provided (evidence only). Condition: Chronic lymphocytic leukemia/small lymphocytic lymphoma. Review status: no classification provided. Collection method: in vitro. Allele origin: not applicable. Functional consequence: retained intron. Not counted in ClinVar's aggregate classification.

Dr. Peter K. Rogan Lab, Western University
No classification provided (evidence only). Condition: Chronic lymphocytic leukemia/small lymphocytic lymphoma. Review status: no classification provided. Collection method: in vitro. Allele origin: not applicable. Functional consequence: retained intron. Not counted in ClinVar's aggregate classification.

Dr. Peter K. Rogan Lab, Western University
No classification provided (evidence only). Condition: Chronic lymphocytic leukemia/small lymphocytic lymphoma. Review status: no classification provided. Collection method: in vitro. Allele origin: not applicable. Functional consequence: retained intron. Not counted in ClinVar's aggregate classification.

Dr. Peter K. Rogan Lab, Western University
No classification provided (evidence only). Condition: Chronic lymphocytic leukemia/small lymphocytic lymphoma. Review status: no classification provided. Collection method: in vitro. Allele origin: not applicable. Functional consequence: retained intron. Not counted in ClinVar's aggregate classification.

Dr. Peter K. Rogan Lab, Western University
No classification provided (evidence only). Condition: Chronic lymphocytic leukemia/small lymphocytic lymphoma. Review status: no classification provided. Collection method: in vitro. Allele origin: not applicable. Functional consequence: skipped exon, retained intron. Not counted in ClinVar's aggregate classification.

Dr. Peter K. Rogan Lab, Western University
No classification provided (evidence only). Condition: Chronic lymphocytic leukemia/small lymphocytic lymphoma. Review status: no classification provided. Collection method: in vitro. Allele origin: not applicable. Functional consequence: retained intron. Not counted in ClinVar's aggregate classification.

Dr. Peter K. Rogan Lab, Western University
No classification provided (evidence only). Condition: Chronic lymphocytic leukemia/small lymphocytic lymphoma. Review status: no classification provided. Collection method: in vitro. Allele origin: not applicable. Functional consequence: retained intron. Not counted in ClinVar's aggregate classification.

Dr. Peter K. Rogan Lab, Western University
No classification provided (evidence only). Condition: Chronic lymphocytic leukemia/small lymphocytic lymphoma. Review status: no classification provided. Collection method: in vitro. Allele origin: not applicable. Functional consequence: retained intron. Not counted in ClinVar's aggregate classification.

Dr. Peter K. Rogan Lab, Western University
No classification provided (evidence only). Condition: Chronic lymphocytic leukemia/small lymphocytic lymphoma. Review status: no classification provided. Collection method: in vitro. Allele origin: not applicable. Functional consequence: retained intron. Not counted in ClinVar's aggregate classification.

Dr. Peter K. Rogan Lab, Western University
No classification provided (evidence only). Condition: Chronic lymphocytic leukemia/small lymphocytic lymphoma. Review status: no classification provided. Collection method: in vitro. Allele origin: not applicable. Functional consequence: retained intron. Not counted in ClinVar's aggregate classification.

Dr. Peter K. Rogan Lab, Western University
No classification provided (evidence only). Condition: Chronic lymphocytic leukemia/small lymphocytic lymphoma. Review status: no classification provided. Collection method: in vitro. Allele origin: not applicable. Functional consequence: retained intron. Not counted in ClinVar's aggregate classification.

Dr. Peter K. Rogan Lab, Western University
No classification provided (evidence only). Condition: Chronic lymphocytic leukemia/small lymphocytic lymphoma. Review status: no classification provided. Collection method: in vitro. Allele origin: not applicable. Functional consequence: retained intron. Not counted in ClinVar's aggregate classification.

Dr. Peter K. Rogan Lab, Western University
No classification provided (evidence only). Condition: Nonpapillary renal cell carcinoma. Review status: no classification provided. Collection method: in vitro. Allele origin: not applicable. Functional consequence: retained intron. Not counted in ClinVar's aggregate classification.

Dr. Peter K. Rogan Lab, Western University
No classification provided (evidence only). Condition: Nonpapillary renal cell carcinoma. Review status: no classification provided. Collection method: in vitro. Allele origin: not applicable. Functional consequence: retained intron. Not counted in ClinVar's aggregate classification.

Dr. Peter K. Rogan Lab, Western University
No classification provided (evidence only). Condition: Nonpapillary renal cell carcinoma. Review status: no classification provided. Collection method: in vitro. Allele origin: not applicable. Functional consequence: retained intron. Not counted in ClinVar's aggregate classification.

Dr. Peter K. Rogan Lab, Western University
No classification provided (evidence only). Condition: Nonpapillary renal cell carcinoma. Review status: no classification provided. Collection method: in vitro. Allele origin: not applicable. Functional consequence: retained intron. Not counted in ClinVar's aggregate classification.

Dr. Peter K. Rogan Lab, Western University
No classification provided (evidence only). Condition: Nonpapillary renal cell carcinoma. Review status: no classification provided. Collection method: in vitro. Allele origin: not applicable. Functional consequence: retained intron. Not counted in ClinVar's aggregate classification.

Dr. Peter K. Rogan Lab, Western University
No classification provided (evidence only). Condition: Familial pancreatic carcinoma. Review status: no classification provided. Collection method: in vitro. Allele origin: not applicable. Functional consequence: retained intron. Not counted in ClinVar's aggregate classification.

Dr. Peter K. Rogan Lab, Western University
No classification provided (evidence only). Condition: Familial pancreatic carcinoma. Review status: no classification provided. Collection method: in vitro. Allele origin: not applicable. Functional consequence: retained intron. Not counted in ClinVar's aggregate classification.

Dr. Peter K. Rogan Lab, Western University
No classification provided (evidence only). Condition: Familial pancreatic carcinoma. Review status: no classification provided. Collection method: in vitro. Allele origin: not applicable. Functional consequence: retained intron. Not counted in ClinVar's aggregate classification.